The following is an entry in ClinVar:

ClinVar aggregate classification (germline): Likely pathogenic (1 of 4 stars; one submission).

Conditions:
Lamellar ichthyosis. Identifiers: Orphanet 313, MedGen C5848247, MONDO:0017778.

Submission:

Women's Health and Genetics/Laboratory Corporation of America, LabCorp
Classification: Likely pathogenic for Lamellar ichthyosis. Last evaluated: 2026-05-13. Review status: criteria provided, single submitter. Criteria: LabCorp Variant Classification Summary - May 2015. Collection method: clinical testing. Allele origin: germline.
Comment: Variant summary: TGM1 c.1124G>A (p.Gly375Asp) results in a non-conservative amino acid change in the encoded protein sequence. Algorithms developed to predict the effect of missense changes on protein structure and function all suggest that this variant is likely to be disruptive. The variant was absent in 251236 control chromosomes. c.1124G>A has been observed in a homozygous state in two individuals affected with Lamellar Ichthyosis (Simpson_2020 and Monies_2019). These data indicate that the variant is likely to be associated with disease. To our knowledge, no experimental evidence demonstrating an impact on protein function has been reported. The following publications have been ascertained in the context of this evaluation (PMID: 31168818, 31130284). No submitters have cited clinical-significance assessments for this variant to ClinVar. Based on the evidence outlined above, the variant was classified as likely pathogenic.

Literature cited by the submitters: PubMed 31130284; PubMed 31168818.

NM_000359.3(TGM1):c.1124G>A (p.Gly375Asp)

Gene: TGM1 (transglutaminase 1; minus strand). Cytogenetic location: 14q12.
Variant type: single nucleotide variant.
Coding change: c.1124G>A on transcript NM_000359.3 (MANE Select); coding-DNA position 1124, G replaced by A.
Protein change: p.Gly375Asp; replaces glycine 375 with aspartic acid.
Molecular consequence: missense variant.
Genome position (GRCh38, 1-based): chr14:24,259,110, C>T on the plus strand (G>A on the coding strand, the complement: TGM1 is on the minus strand). VCF-style: chr14-24259110-C-T. GRCh37 (hg19) VCF-style: chr14-24728316-C-T.
Other names: short protein forms G375D.
Identifiers: ClinVar variation 4853155 (VCV004853155.1).